The following is an entry in ClinVar:

ClinVar aggregate classification (germline): Uncertain significance (1 of 4 stars; one submission).

Conditions:
Developmental and epileptic encephalopathy, 53. Also called: Epileptic encephalopathy, early infantile, 53. Identifiers: MedGen C4479313, MONDO:0033362, OMIM 617389.
Early-onset Parkinson disease 20. Also called: PARKINSON DISEASE 20, AUTOSOMAL RECESSIVE EARLY-ONSET. Identifiers: Orphanet 391411, MedGen C3809824, MONDO:0014233, OMIM 615530.

gnomAD v4.1: 3 of 1,614,142 alleles (0.00019%); highest among the groups gnomAD compares: South Asian, 0.0011%; no homozygotes.

Submission:

Labcorp Genetics (formerly Invitae), Labcorp
Classification: Uncertain significance for Developmental and epileptic encephalopathy, 53; Early-onset Parkinson disease 20. Last evaluated: 2021-09-24. Review status: criteria provided, single submitter. Criteria: Invitae Variant Classification Sherloc (09022015). Collection method: clinical testing. Allele origin: germline.
Comment: This sequence change replaces alanine with proline at codon 240 of the SYNJ1 protein (p.Ala240Pro). The alanine residue is highly conserved and there is a small physicochemical difference between alanine and proline. This variant is present in population databases (rs371958110, ExAC 0.001%). This variant has not been reported in the literature in individuals with SYNJ1-related conditions. Algorithms developed to predict the effect of missense changes on protein structure and function are either unavailable or do not agree on the potential impact of this missense change (SIFT: "Deleterious"; PolyPhen-2: "Benign"; Align-GVGD: "Class C0"). In summary, the available evidence is currently insufficient to determine the role of this variant in disease. Therefore, it has been classified as a Variant of Uncertain Significance.

NM_203446.3(SYNJ1):c.601G>C (p.Ala201Pro)

Gene: SYNJ1 (synaptojanin 1; minus strand). Cytogenetic location: 21q22.11.
Variant type: single nucleotide variant.
Coding change: c.601G>C on transcript NM_203446.3 (MANE Select); coding-DNA position 601, G replaced by C.
Protein change: p.Ala201Pro; replaces alanine 201 with proline.
Molecular consequence: missense variant.
Genome position (GRCh38, 1-based): chr21:32,695,161, C>G on the plus strand (G>C on the coding strand, the complement: SYNJ1 is on the minus strand). VCF-style: chr21-32695161-C-G. GRCh37 (hg19) VCF-style: chr21-34067471-C-G.
Other names: c.601G>C, p.Ala201Pro (NM_001160302.2, NM_001160306.2); c.718G>C, p.Ala240Pro (NM_003895.4); short protein forms A240P, A201P.
Identifiers: ClinVar variation 1498941 (VCV001498941.5), dbSNP rs371958110, ClinGen allele CA10004102.